The following is an entry in ClinVar:

ClinVar aggregate classification (germline): Uncertain significance (1 of 4 stars; one submission).

Submission:

CeGaT Center for Human Genetics Tuebingen
Classification: Uncertain significance. Last evaluated: 2023-01-01. Review status: criteria provided, single submitter. Criteria: CeGaT Center For Human Genetics Tuebingen Variant Classification Criteria Version 2. Collection method: clinical testing. Allele origin: germline. Affected: yes. Observed: 1 variant allele.
Comment: MLLT1: PM2

NM_005934.4(MLLT1):c.1643G>A (p.Arg548His)

Gene: MLLT1 (MLLT1 super elongation complex subunit; minus strand). Cytogenetic location: 19p13.3.
Variant type: single nucleotide variant.
Coding change: c.1643G>A on transcript NM_005934.4 (MANE Select); coding-DNA position 1643, G replaced by A.
Protein change: p.Arg548His; replaces arginine 548 with histidine.
Molecular consequence: missense variant.
Genome position (GRCh38, 1-based): chr19:6,213,079, C>T on the plus strand (G>A on the coding strand, the complement: MLLT1 is on the minus strand). VCF-style: chr19-6213079-C-T. GRCh37 (hg19) VCF-style: chr19-6213090-C-T.
Other names: short protein forms R548H.
Identifiers: ClinVar variation 2649131 (VCV002649131.24), dbSNP rs2512308053, ClinGen allele CA403582402.
Genomic context (GRCh38, chr19:6,213,079, plus strand): 5'-GGGGCCCGGCACGCGGCCCAGGGTCATGTGGCCACGGCCTCCAGGCAGCTCTGCAGTTTG[C>T]GCACGGTGGTCTCGTCCAGGGAGAAGAGGTCGAAGTCGAAGGTGGTGTTGGTGACATTGA-3'
Protein context (NP_005925.2, residues 538-558): DLFSLDETTV[Arg548His]KLQSCLEAVA